The following is an entry in ClinVar:

NM_014159.7(SETD2):c.2498C>G (p.Pro833Arg)

Gene: SETD2 (SET domain containing 2, histone lysine methyltransferase; minus strand). Cytogenetic location: 3p21.31.
Variant type: single nucleotide variant.
Coding change: c.2498C>G on transcript NM_014159.7 (MANE Select); coding-DNA position 2498, C replaced by G.
Protein change: p.Pro833Arg; replaces proline 833 with arginine.
Molecular consequence: missense variant. On other transcripts: non-coding transcript variant (1).
Genome position (GRCh38, 1-based): chr3:47,122,138, G>C on the plus strand (C>G on the coding strand, the complement: SETD2 is on the minus strand). VCF-style: chr3-47122138-G-C. GRCh37 (hg19) VCF-style: chr3-47163628-G-C.
Other names: c.2366C>G, p.Pro789Arg (NM_001349370.3); short protein forms P789R, P833R.
Identifiers: ClinVar variation 3906371 (VCV003906371.1).

ClinVar aggregate classification (germline): Uncertain significance (1 of 4 stars; one submission).

Submission:

GeneDx
Classification: Uncertain significance. Last evaluated: 2024-12-23. Review status: criteria provided, single submitter. Criteria: GeneDx Variant Classification Process June 2021. Collection method: clinical testing. Allele origin: germline. Affected: yes.
Comment: Not observed at significant frequency in large population cohorts (gnomAD); In silico analysis indicates that this missense variant does not alter protein structure/function; Has not been previously published as pathogenic or benign to our knowledge